The following is an entry in ClinVar:

NM_172107.4(KCNQ2):c.928-7_933del

Gene: KCNQ2 (potassium voltage-gated channel subfamily Q member 2; minus strand). Cytogenetic location: 20q13.33.
Variant type: Deletion.
Coding change: c.928-7_933del on transcript NM_172107.4 (MANE Select); 7 bases into the intron before coding-DNA position 928 through coding-DNA position 933, 13 bases deleted (ATTGCAGGGCATC).
Molecular consequence: splice acceptor variant.
Genome position (GRCh38, 1-based): chr20:63,438,715-63,438,727, GATGCCCTGCAAT deleted on the plus strand (ATTGCAGGGCATC on the coding strand, the reverse complement: KCNQ2 is on the minus strand). VCF-style (leftmost placement, unchanged base first): chr20-63438714-AGATGCCCTGCAAT-A. GRCh37 (hg19) VCF-style: chr20-62070067-AGATGCCCTGCAAT-A.
Other names: c.928-7_933del (NM_004518.6, NM_172108.5, NM_172106.3 and 2 more transcripts).
Identifiers: ClinVar variation 2757962 (VCV002757962.3), dbSNP rs2516410133, ClinGen allele CA2697547460.

ClinVar aggregate classification (germline): Pathogenic (1 of 4 stars; one submission).

Conditions:
Early-infantile DEE. Also called: Ohtahara syndrome; Early infantile epileptic encephalopathy; Early infantile epileptic encephalopathy with suppression bursts. Identifiers: Orphanet 1934, MedGen C0393706, MONDO:0800491.

Submission:

Labcorp Genetics (formerly Invitae), Labcorp
Classification: Pathogenic for Early-infantile DEE. Last evaluated: 2023-09-04. Review status: criteria provided, single submitter. Criteria: Invitae Variant Classification Sherloc (09022015). Collection method: clinical testing. Allele origin: germline.
Comment: For these reasons, this variant has been classified as Pathogenic. This variant disrupts a region of the KCNQ2 protein in which other variant(s) (p.Gly310Ser) have been determined to be pathogenic (PMID: 32942014, 35770094). This suggests that this is a clinically significant region of the protein, and that variants that disrupt it are likely to be disease-causing. This variant has not been reported in the literature in individuals affected with KCNQ2-related conditions. This variant is not present in population databases (gnomAD no frequency). This variant results in the deletion of part of exon 7 (c.928-7_933del) of the KCNQ2 gene. It is expected to disrupt RNA splicing. Variants that disrupt the donor or acceptor splice site typically lead to a loss of protein function (PMID: 16199547), and loss-of-function variants in KCNQ2 are known to be pathogenic (PMID: 14534157, 23692823, 27779742).

Literature cited by the submitters: PubMed 32942014; PubMed 35770094; PubMed 16199547; PubMed 14534157; PubMed 23692823; PubMed 27779742.